The following is an entry in ClinVar:

ClinVar aggregate classification (germline): Conflicting classifications of pathogenicity. Review status: criteria provided, conflicting classifications (1 of 4 stars). 4 submissions from 4 submitters: Uncertain significance (2); Likely benign (2). Last evaluated 2026-02-03.

Conditions:
Inborn genetic diseases. Identifiers: MedGen C0950123, MeSH D030342.
Generalized epilepsy with febrile seizures plus, type 7 (GEFSP7). Also called: GEFS+, TYPE 7. Identifiers: Orphanet 36387, MedGen C2751778, MONDO:0013470, OMIM 613863.
Neuropathy, hereditary sensory and autonomic, type 2A (HSAN2A). Also called: NEUROPATHY, CONGENITAL SENSORY; NEUROPATHY, HEREDITARY SENSORY RADICULAR, AUTOSOMAL RECESSIVE; NEUROPATHY, HEREDITARY SENSORY, TYPE IIA; NEUROPATHY, PROGRESSIVE SENSORY, OF CHILDREN; HSAN IIA; MORVAN DISEASE. Identifiers: Orphanet 970, MedGen C2752089, MONDO:0024309, OMIM 201300.

Allele frequency attached by ClinVar (database versions not stated): ExAC 0.00012; gnomAD exomes 0.00012; gnomAD 0.00034 and 0.00038; ESP Exome Variant Server 0.00042; TOPMed 0.00043; 1000 Genomes Project 0.00060; 1000 Genomes Project 30x 0.00078.
gnomAD v4.1: 144 of 1,612,396 alleles (0.0089%); highest among the groups gnomAD compares: African/African-American, 0.11%; no homozygotes.

Submissions (4):

Labcorp Genetics (formerly Invitae), Labcorp
Classification: Likely benign for Neuropathy, hereditary sensory and autonomic, type 2A; Generalized epilepsy with febrile seizures plus, type 7. Last evaluated: 2026-02-03. Review status: criteria provided, single submitter. Criteria: Invitae Variant Classification Sherloc (09022015). Collection method: clinical testing. Allele origin: germline.

Women's Health and Genetics/Laboratory Corporation of America, LabCorp
Classification: Likely benign. Last evaluated: 2024-06-18. Review status: criteria provided, single submitter. Criteria: LabCorp Variant Classification Summary - May 2015. Collection method: clinical testing. Allele origin: germline.
Comment: Variant summary: SCN9A c.1972C>T (p.Arg658Cys) results in a non-conservative amino acid change located in the Voltage-gated Na+ ion channel, cytoplasmic domain (IPR024583) of the encoded protein sequence. Four of five in-silico tools predict a damaging effect of the variant on protein function. The variant allele was found at a frequency of 0.00012 in 247644 control chromosomes, predominantly at a frequency of 0.0014 within the African or African-American subpopulation in the gnomAD database. The observed variant frequency within African or African-American control individuals in the gnomAD database is approximately 1 fold of the estimated maximal expected allele frequency for a pathogenic variant in SCN9A causing Channelopathy-Associated Congenital Insensitivity To Pain, Autosomal Recessive phenotype (0.0011). To our knowledge, no occurrence of c.1972C>T in individuals affected with Channelopathy-Associated Congenital Insensitivity To Pain, Autosomal Recessive and no experimental evidence demonstrating its impact on protein function have been reported. ClinVar contains an entry for this variant (Variation ID: 449780). Based on the evidence outlined above, the variant was classified as likely benign.

GeneDx
Classification: Uncertain significance. Last evaluated: 2022-11-23. Review status: criteria provided, single submitter. Criteria: GeneDx Variant Classification Process June 2021. Collection method: clinical testing. Allele origin: germline. Affected: yes.
Comment: In silico analysis supports that this missense variant has a deleterious effect on protein structure/function; Has not been previously published as pathogenic or benign to our knowledge

Ambry Genetics
Classification: Uncertain significance for Inborn genetic diseases. Last evaluated: 2022-07-08. Review status: criteria provided, single submitter. Criteria: Ambry Variant Classification Scheme 2023. Collection method: clinical testing. Allele origin: germline.
Comment: The p.R658C variant (also known as c.1972C>T), located in coding exon 12 of the SCN9A gene, results from a C to T substitution at nucleotide position 1972. The arginine at codon 658 is replaced by cysteine, an amino acid with highly dissimilar properties. This amino acid position is not well conserved in available vertebrate species, and cysteine is the reference amino acid in other vertebrate species. In addition, the in silico prediction for this alteration is inconclusive. Based on the supporting evidence, this variant is unlikely to be causative of primary erythermalgia/small fiber neuropathy and paroxysmal extreme pain disorder (PEPD); however, its contribution to the development of congenital insensitivity to pain (CIP) and hereditary sensory autonomic neuropathy type II (HSAN2D) is uncertain.

NM_001365536.1(SCN9A):c.2005C>T (p.Arg669Cys)

Genes: SCN1A-AS1 (SCN1A and SCN9A antisense RNA 1; plus strand), SCN9A (sodium voltage-gated channel alpha subunit 9; minus strand). Cytogenetic location: 2q24.3.
Variant type: single nucleotide variant.
Coding change: c.2005C>T on transcript NM_001365536.1 (MANE Select); coding-DNA position 2005, C replaced by T.
Protein change: p.Arg669Cys; replaces arginine 669 with cysteine.
Molecular consequence: missense variant.
Genome position (GRCh38, 1-based): chr2:166,281,778, G>A on the plus strand (C>T on the coding strand, the complement: SCN9A is on the minus strand). VCF-style: chr2-166281778-G-A. GRCh37 (hg19) VCF-style: chr2-167138288-G-A.
Other names: c.1972C>T, p.Arg658Cys (NM_002977.4); short protein forms R658C, R669C.
Identifiers: ClinVar variation 449780 (VCV000449780.19), dbSNP rs200174262, ClinGen allele CA1944361.
Genomic context (GRCh38, chr2:166,281,778, plus strand): 5'-CTCTCTGTCTGAGGTTGGGATCATTCAGCATATCCTCTGAAAGGAGATAGGAACTACAAC[G>A]CCTTTTCTTGTGTATTTGATTGGTCGTGCCCTAAAAAAAAAATCAATTAATGTCTTAAGA-3'
Protein context (NP_001352465.1, residues 659-679): GTTNQIHKKR[Arg669Cys]CSSYLLSEDM